The following is an entry in ClinVar:

ClinVar aggregate classification (germline): Conflicting classifications of pathogenicity. Review status: criteria provided, conflicting classifications (1 of 4 stars). 3 submissions from 3 submitters: Uncertain significance (1); Likely benign (2). Last evaluated 2026-08-18.

Conditions:
STAR-related disorder. Also called: STAR-related condition.

Allele frequency attached by ClinVar (database versions not stated): 1000 Genomes Project 0.00020; 1000 Genomes Project 30x 0.00031; TOPMed 0.00040; gnomAD exomes 0.00047; gnomAD 0.00052; ExAC 0.00053; ESP Exome Variant Server 0.00077.

Submissions (3):

PreventionGenetics, part of Exact Sciences
Classification: Likely benign for STAR-related condition. Last evaluated: 2026-08-18. Review status: criteria provided, single submitter. Criteria: ACMG Guidelines, 2015. Collection method: clinical testing. Allele origin: germline.
Comment: This variant is classified as likely benign based on ACMG/AMP sequence variant interpretation guidelines (Richards et al. 2015 PMID: 25741868, with internal and published modifications).

Labcorp Genetics (formerly Invitae), Labcorp
Classification: Uncertain significance. Last evaluated: 2025-01-29. Review status: criteria provided, single submitter. Criteria: Invitae Variant Classification Sherloc (09022015). Collection method: clinical testing. Allele origin: germline.
Comment: This sequence change affects codon 59 of the STAR mRNA. It is a 'silent' change, meaning that it does not change the encoded amino acid sequence of the STAR protein. It affects a nucleotide within the consensus splice site. This variant is present in population databases (rs142910480, gnomAD 0.1%), and has an allele count higher than expected for a pathogenic variant. This variant has not been reported in the literature in individuals affected with STAR-related conditions. ClinVar contains an entry for this variant (Variation ID: 1336626). Algorithms developed to predict the effect of sequence changes on RNA splicing suggest that this variant is not likely to affect RNA splicing. In summary, the available evidence is currently insufficient to determine the role of this variant in disease. Therefore, it has been classified as a Variant of Uncertain Significance.

Genetic Services Laboratory, University of Chicago
Classification: Likely benign. Last evaluated: 2018-04-09. Review status: criteria provided, single submitter. Criteria: ACMG Guidelines, 2015. Collection method: clinical testing. Allele origin: germline. Affected: no.

NM_000349.3(STAR):c.177C>T (p.Leu59=)

Gene: STAR (steroidogenic acute regulatory protein; minus strand). Cytogenetic location: 8p11.23.
Variant type: single nucleotide variant.
Coding change: c.177C>T on transcript NM_000349.3 (MANE Select); coding-DNA position 177, C replaced by T.
Protein change: p.Leu59=; no amino-acid change (leucine 59 retained).
Molecular consequence: synonymous variant.
Genome position (GRCh38, 1-based): chr8:38,148,642, G>A on the plus strand (C>T on the coding strand, the complement: STAR is on the minus strand). VCF-style: chr8-38148642-G-A. GRCh37 (hg19) VCF-style: chr8-38006160-G-A.
Identifiers: ClinVar variation 1336626 (VCV001336626.7), dbSNP rs142910480, ClinGen allele CA4715334.
Genomic context (GRCh38, chr8:38,148,642, plus strand): 5'-TCACCCTCCAGGGAACCTCCTGCCAGCAGCACCAGGAGCCCAGAAGCCTCAGCACTTACC[G>A]AGTAGAGAGCTCCGCCGCCGAACCTGGTTAATCCACGTGCTAGGGGTGGGGCCCCCCAGG-3'
Protein context (NP_000340.2, residues 49-69): INQVRRRSSL[Leu59=]GSRLEETLYS